The following is an entry in ClinVar:

ClinVar aggregate classification (germline): Uncertain significance. Review status: criteria provided, single submitter (1 of 4 stars). 2 submissions from 2 submitters: Uncertain significance (1). 1 of the submissions does not count toward it. Last evaluated 2023-07-07.

Conditions:
Retinal dystrophy. Also called: Inherited retinal dystrophy. Identifiers: Orphanet 71862, MedGen C0854723, MeSH D058499, MONDO:0019118, HP:0000556.

Submissions (2):

Labcorp Genetics (formerly Invitae), Labcorp
Classification: Uncertain significance. Last evaluated: 2023-07-07. Review status: criteria provided, single submitter. Criteria: Invitae Variant Classification Sherloc (09022015). Collection method: clinical testing. Allele origin: germline.
Comment: In summary, the available evidence is currently insufficient to determine the role of this variant in disease. Therefore, it has been classified as a Variant of Uncertain Significance. Advanced modeling of protein sequence and biophysical properties (such as structural, functional, and spatial information, amino acid conservation, physicochemical variation, residue mobility, and thermodynamic stability) performed at Invitae indicates that this missense variant is not expected to disrupt TSPAN12 protein function. ClinVar contains an entry for this variant (Variation ID: 1381568). This variant has not been reported in the literature in individuals affected with TSPAN12-related conditions. This variant is not present in population databases (gnomAD no frequency). This sequence change replaces tryptophan, which is neutral and slightly polar, with leucine, which is neutral and non-polar, at codon 150 of the TSPAN12 protein (p.Trp150Leu).

Institute of Human Genetics, Univ. Regensburg, Univ. Regensburg
Classification: Likely pathogenic for Retinal dystrophy. Last evaluated: 2022-01-01. Review status: no assertion criteria provided. Criteria: ACMG Guidelines, 2015. Collection method: clinical testing. Allele origin: germline. Affected: yes. Not counted in ClinVar's aggregate classification.

NM_012338.4(TSPAN12):c.449G>T (p.Trp150Leu)

Gene: TSPAN12 (tetraspanin 12; minus strand). Cytogenetic location: 7q31.31.
Variant type: single nucleotide variant.
Coding change: c.449G>T on transcript NM_012338.4 (MANE Select); coding-DNA position 449, G replaced by T.
Protein change: p.Trp150Leu; replaces tryptophan 150 with leucine.
Molecular consequence: missense variant.
Genome position (GRCh38, 1-based): chr7:120,810,482, C>A on the plus strand (G>T on the coding strand, the complement: TSPAN12 is on the minus strand). VCF-style: chr7-120810482-C-A. GRCh37 (hg19) VCF-style: chr7-120450536-C-A.
Other names: short protein forms W150L.
Identifiers: ClinVar variation 1381568 (VCV001381568.7), dbSNP rs2116363278, ClinGen allele CA369137392.
Genomic context (GRCh38, chr7:120,810,482, plus strand): 5'-ACTTACTTCACTCTCTCTACCTCAGAAATTGTAGCACTTACCTCTCTCTGAAAAAAATTC[C>A]AAGCATGAGTAAGCCACCGATATCTAGGTAATCCATAATTTGTCATCCTGGCTTTCAAAG-3'
Protein context (NP_036470.1, residues 140-160): LPRYRWLTHA[Trp150Leu]NFFQREFKCC